The following is an entry in ClinVar:

NM_000059.4(BRCA2):c.4410A>G (p.Ile1470Met)

Gene: BRCA2 (BRCA2 DNA repair associated; plus strand). Cytogenetic location: 13q13.1.
Variant type: single nucleotide variant.
Coding change: c.4410A>G on transcript NM_000059.4 (MANE Select); coding-DNA position 4410, A replaced by G.
Protein change: p.Ile1470Met; replaces isoleucine 1470 with methionine.
Molecular consequence: missense variant. On other transcripts: non-coding transcript variant (1), intron variant (2).
Genome position (GRCh38, 1-based): chr13:32,338,765, A>G. VCF-style: chr13-32338765-A-G. GRCh37 (hg19) VCF-style: chr13-32912902-A-G.
Other names: c.4410A>G, p.Ile1470Met (NM_001406719.1, NM_001406720.1); c.1909+5378A>G (NM_001406721.1); c.425-5793A>G (NM_001406722.1); short protein forms I1470M.
Identifiers: ClinVar variation 3071937 (VCV003071937.2), dbSNP rs747516635, ClinGen allele CA387781183.

ClinVar aggregate classification (germline): Uncertain significance. Review status: criteria provided, multiple submitters, no conflicts (2 of 4 stars). 2 submissions from 2 submitters: Uncertain significance (2). Last evaluated 2025-03-07.

Conditions:
Breast-ovarian cancer, familial, susceptibility to, 2 (BROVCA2). Also called: BRCA2 Hereditary Breast and Ovarian Cancer. Identifiers: Orphanet 145, MedGen C2675520, MONDO:0012933, OMIM 612555. Disease mechanism: loss of function.
Hereditary breast ovarian cancer syndrome. Also called: Hereditary breast and ovarian cancer syndrome; Hereditary breast and ovarian cancer syndrome (HBOC); Hereditary breast and ovarian cancer; Breast and ovarian cancer; Hereditary breast and/or ovarian cancer syndrome; BRCA1- and BRCA2-Associated Hereditary Breast and Ovarian Cancer. Identifiers: Orphanet 145, MedGen C0677776, MeSH D061325, MONDO:0003582. Disease mechanism: loss of function.

gnomAD v4.1: 1 of 1,610,268 alleles (0.000062%); highest among the groups gnomAD compares: Middle Eastern, 0.017%; no homozygotes.

Submissions (2):

Labcorp Genetics (formerly Invitae), Labcorp
Classification: Uncertain significance for Hereditary breast ovarian cancer syndrome. Last evaluated: 2025-03-07. Review status: criteria provided, single submitter. Criteria: Invitae Variant Classification Sherloc (09022015). Collection method: clinical testing. Allele origin: germline.
Comment: This sequence change replaces isoleucine, which is neutral and non-polar, with methionine, which is neutral and non-polar, at codon 1470 of the BRCA2 protein (p.Ile1470Met). This variant is not present in population databases (gnomAD no frequency). This variant has not been reported in the literature in individuals affected with BRCA2-related conditions. ClinVar contains an entry for this variant (Variation ID: 3071937). Invitae Evidence Modeling of protein sequence and biophysical properties (such as structural, functional, and spatial information, amino acid conservation, physicochemical variation, residue mobility, and thermodynamic stability) indicates that this missense variant is not expected to disrupt BRCA2 protein function with a negative predictive value of 95%. In summary, the available evidence is currently insufficient to determine the role of this variant in disease. Therefore, it has been classified as a Variant of Uncertain Significance.

All of Us Research Program, National Institutes of Health
Classification: Uncertain significance for Breast-ovarian cancer, familial, susceptibility to, 2. Last evaluated: 2023-06-26. Review status: criteria provided, single submitter. Criteria: ACMG Guidelines, 2015. Collection method: clinical testing. Allele origin: germline. Inheritance: Autosomal dominant inheritance. Observed: 1 variant allele, 1 heterozygote.
Comment: This missense variant replaces isoleucine with methionine at codon 1470 of the BRCA2 protein. Computational prediction suggests that this variant may not impact protein structure and function (internally defined REVEL score threshold <= 0.5, PMID: 27666373). To our knowledge, functional studies have not been reported for this variant. This variant has not been reported in individuals affected with BRCA2-related disorders in the literature. This variant has not been identified in the general population by the Genome Aggregation Database (gnomAD). The available evidence is insufficient to determine the role of this variant in disease conclusively. Therefore, this variant is classified as a Variant of Uncertain Significance.

This study involves interpretation of variants in research participants for the purpose of population health screening. Participant phenotype was not available at the time of variant classification. Additional details can be found in publication PMID: 35346344, PMCID: PMC8962531